The following is an entry in ClinVar:

ClinVar aggregate classification (germline): Uncertain significance. Review status: criteria provided, multiple submitters, no conflicts (2 of 4 stars). 2 submissions from 2 submitters: Uncertain significance (2). Last evaluated 2024-08-03.

Conditions:
Cardiovascular phenotype. Identifiers: MedGen CN230736.
Capillary malformation-arteriovenous malformation syndrome. Also called: Capillary malformation-arteriovenous malformation. Identifiers: Orphanet 137667, MedGen C1842180, MONDO:0012016.

Allele frequency attached by ClinVar (database versions not stated): ExAC 0.00002; gnomAD 0.00003.
gnomAD v4.1: 24 of 1,613,598 alleles (0.0015%); highest among the groups gnomAD compares: Non-Finnish European, 0.0019%; no homozygotes.

Submissions (2):

Ambry Genetics
Classification: Uncertain significance for Cardiovascular phenotype. Last evaluated: 2024-08-03. Review status: criteria provided, single submitter. Criteria: Ambry Variant Classification Scheme 2023. Collection method: clinical testing. Allele origin: germline.
Comment: The p.S767L variant (also known as c.2300C>T), located in coding exon 17 of the RASA1 gene, results from a C to T substitution at nucleotide position 2300. The serine at codon 767 is replaced by leucine, an amino acid with dissimilar properties. This amino acid position is conserved. In addition, this alteration is predicted to be tolerated by in silico analysis. Based on the available evidence, the clinical significance of this variant remains unclear.

Labcorp Genetics (formerly Invitae), Labcorp
Classification: Uncertain significance for Capillary malformation-arteriovenous malformation syndrome. Last evaluated: 2023-04-26. Review status: criteria provided, single submitter. Criteria: Invitae Variant Classification Sherloc (09022015). Collection method: clinical testing. Allele origin: germline.
Comment: In summary, the available evidence is currently insufficient to determine the role of this variant in disease. Therefore, it has been classified as a Variant of Uncertain Significance. An algorithm developed to predict the effect of missense changes on protein structure and function (PolyPhen-2) suggests that this variant is likely to be tolerated. ClinVar contains an entry for this variant (Variation ID: 533444). This variant has not been reported in the literature in individuals affected with RASA1-related conditions. This variant is present in population databases (rs763915835, gnomAD 0.005%). This sequence change replaces serine, which is neutral and polar, with leucine, which is neutral and non-polar, at codon 767 of the RASA1 protein (p.Ser767Leu).

NM_002890.3(RASA1):c.2300C>T (p.Ser767Leu)

Genes: CCNH (cyclin H; minus strand), RASA1 (RAS p21 protein activator 1; plus strand). Cytogenetic location: 5q14.3.
Variant type: single nucleotide variant.
Coding change: c.2300C>T on transcript NM_002890.3 (MANE Select); coding-DNA position 2300, C replaced by T.
Protein change: p.Ser767Leu; replaces serine 767 with leucine.
Molecular consequence: missense variant. On other transcripts: intron variant (1).
Genome position (GRCh38, 1-based): chr5:87,376,996, C>T. VCF-style: chr5-87376996-C-T. GRCh37 (hg19) VCF-style: chr5-86672813-C-T.
Other names: c.1769C>T, p.Ser590Leu (NM_022650.3); c.933+18048G>A (NM_001364075.2); short protein forms S767L, S590L.
Identifiers: ClinVar variation 533444 (VCV000533444.11), dbSNP rs763915835, ClinGen allele CA3335962.